The following is an entry in ClinVar:

NM_006005.3(WFS1):c.1529A>G (p.Tyr510Cys)

Gene: WFS1 (wolframin ER transmembrane glycoprotein; plus strand). Cytogenetic location: 4p16.1.
Variant type: single nucleotide variant.
Coding change: c.1529A>G on transcript NM_006005.3 (MANE Select); coding-DNA position 1529, A replaced by G.
Protein change: p.Tyr510Cys; replaces tyrosine 510 with cysteine.
Molecular consequence: missense variant.
Genome position (GRCh38, 1-based): chr4:6,301,324, A>G. VCF-style: chr4-6301324-A-G. GRCh37 (hg19) VCF-style: chr4-6303051-A-G.
Other names: c.1529A>G, p.Tyr510Cys (NM_001145853.1); short protein forms Y510C.
Identifiers: ClinVar variation 2705010 (VCV002705010.3), dbSNP rs752657099, ClinGen allele CA2839393.

ClinVar aggregate classification (germline): Uncertain significance (1 of 4 stars; one submission).

Allele frequency attached by ClinVar (database versions not stated): ExAC 0.00001.
gnomAD v4.1: 10 of 1,611,552 alleles (0.00062%); highest among the groups gnomAD compares: South Asian, 0.0011%; no homozygotes.

Submission:

Labcorp Genetics (formerly Invitae), Labcorp
Classification: Uncertain significance. Last evaluated: 2025-01-06. Review status: criteria provided, single submitter. Criteria: Invitae Variant Classification Sherloc (09022015). Collection method: clinical testing. Allele origin: germline.
Comment: This sequence change replaces tyrosine, which is neutral and polar, with cysteine, which is neutral and slightly polar, at codon 510 of the WFS1 protein (p.Tyr510Cys). This variant is present in population databases (rs752657099, gnomAD 0.003%). This variant has not been reported in the literature in individuals affected with WFS1-related conditions. ClinVar contains an entry for this variant (Variation ID: 2705010). Invitae Evidence Modeling of protein sequence and biophysical properties (such as structural, functional, and spatial information, amino acid conservation, physicochemical variation, residue mobility, and thermodynamic stability) has been performed for this missense variant. However, the output from this modeling did not meet the statistical confidence thresholds required to predict the impact of this variant on WFS1 protein function. In summary, the available evidence is currently insufficient to determine the role of this variant in disease. Therefore, it has been classified as a Variant of Uncertain Significance.